The following is an entry in ClinVar:

ClinVar aggregate classification (germline): Uncertain significance (1 of 4 stars; one submission).

Conditions:
KBG syndrome (KBGS). Also called: ANKRD11-Related KBG Syndrome. Identifiers: Orphanet 2332, MedGen C0220687, MONDO:0007846, OMIM 148050.

Allele frequency attached by ClinVar (database versions not stated): gnomAD 0.00001; TOPMed 0.00005; ExAC 0.00001.
gnomAD v4.1: 7 of 1,610,334 alleles (0.00043%); highest among the groups gnomAD compares: African/African-American, 0.004%; no homozygotes.

Submission:

Labcorp Genetics (formerly Invitae), Labcorp
Classification: Uncertain significance for KBG syndrome. Last evaluated: 2025-07-31. Review status: criteria provided, single submitter. Criteria: Invitae Variant Classification Sherloc (09022015). Collection method: clinical testing. Allele origin: germline.
Comment: This sequence change replaces lysine, which is basic and polar, with arginine, which is basic and polar, at codon 986 of the ANKRD11 protein (p.Lys986Arg). This variant is present in population databases (rs760990441, gnomAD 0.01%). This variant has not been reported in the literature in individuals affected with ANKRD11-related conditions. ClinVar contains an entry for this variant (Variation ID: 2914908). Invitae Evidence Modeling of protein sequence and biophysical properties (such as structural, functional, and spatial information, amino acid conservation, physicochemical variation, residue mobility, and thermodynamic stability) indicates that this missense variant is not expected to disrupt ANKRD11 protein function with a negative predictive value of 95%. In summary, the available evidence is currently insufficient to determine the role of this variant in disease. Therefore, it has been classified as a Variant of Uncertain Significance.

NM_013275.6(ANKRD11):c.2957A>G (p.Lys986Arg)

Gene: ANKRD11 (ankyrin repeat domain 11; minus strand). Cytogenetic location: 16q24.3.
Variant type: single nucleotide variant.
Coding change: c.2957A>G on transcript NM_013275.6 (MANE Select); coding-DNA position 2957, A replaced by G.
Protein change: p.Lys986Arg; replaces lysine 986 with arginine.
Molecular consequence: missense variant.
Genome position (GRCh38, 1-based): chr16:89,283,585, T>C on the plus strand (A>G on the coding strand, the complement: ANKRD11 is on the minus strand). VCF-style: chr16-89283585-T-C. GRCh37 (hg19) VCF-style: chr16-89349993-T-C.
Other names: c.2957A>G, p.Lys986Arg (NM_001256182.2, NM_001256183.2); short protein forms K986R.
Identifiers: ClinVar variation 2914908 (VCV002914908.3), dbSNP rs760990441, ClinGen allele CA8242464.